The following is an entry in ClinVar:

ClinVar aggregate classification (germline): Uncertain significance (1 of 4 stars; one submission).

Submission:

GeneDx
Classification: Uncertain significance. Last evaluated: 2024-09-03. Review status: criteria provided, single submitter. Criteria: GeneDx Variant Classification Process June 2021. Collection method: clinical testing. Allele origin: germline. Affected: yes.
Comment: Not observed at significant frequency in large population cohorts (gnomAD); The majority of missense variants in this gene are considered pathogenic (HGMD); In silico analysis, which includes protein predictors and evolutionary conservation, supports that this variant does not alter protein structure/function; Has not been previously published as pathogenic or benign to our knowledge

NM_005633.4(SOS1):c.757C>T (p.His253Tyr)

Gene: SOS1 (SOS Ras/Rac guanine nucleotide exchange factor 1; minus strand). Cytogenetic location: 2p22.1.
Variant type: single nucleotide variant.
Coding change: c.757C>T on transcript NM_005633.4 (MANE Select); coding-DNA position 757, C replaced by T.
Protein change: p.His253Tyr; replaces histidine 253 with tyrosine.
Molecular consequence: missense variant.
Genome position (GRCh38, 1-based): chr2:39,051,251, G>A on the plus strand (C>T on the coding strand, the complement: SOS1 is on the minus strand). VCF-style: chr2-39051251-G-A. GRCh37 (hg19) VCF-style: chr2-39278392-G-A.
Other names: c.736C>T, p.His246Tyr (NM_001382394.1); c.757C>T, p.His253Tyr (NM_001382395.1); short protein forms H253Y, H246Y.
Identifiers: ClinVar variation 280790 (VCV000280790.4), dbSNP rs886041934, ClinGen allele CA10602874.
Genomic context (GRCh38, chr2:39,051,251, plus strand): 5'-CTTCATCTGTCATTTCTACTGTATCTTCTATATGGCCCAGTAACTTTACACTAAGTTCAT[G>A]TATATCTACTATGCGACTAAATATATTTTCTACATCCTGTTTGGGGGAAAACACATTAAT-3'
Protein context (NP_005624.2, residues 243-263): ENIFSRIVDI[His253Tyr]ELSVKLLGHI